The following is an entry in ClinVar:

NM_139076.3(ABRAXAS1):c.322C>G (p.Gln108Glu)

Gene: ABRAXAS1 (abraxas 1, BRCA1 A complex subunit; minus strand). Cytogenetic location: 4q21.23.
Variant type: single nucleotide variant.
Coding change: c.322C>G on transcript NM_139076.3 (MANE Select); coding-DNA position 322, C replaced by G.
Protein change: p.Gln108Glu; replaces glutamine 108 with glutamic acid.
Molecular consequence: missense variant. On other transcripts: 5 prime UTR variant (1).
Genome position (GRCh38, 1-based): chr4:83,470,357, G>C on the plus strand (C>G on the coding strand, the complement: ABRAXAS1 is on the minus strand). VCF-style: chr4-83470357-G-C. GRCh37 (hg19) VCF-style: chr4-84391510-G-C.
Other names: c.-6C>G (NM_001345962.2); short protein forms Q108E.
Identifiers: ClinVar variation 496534 (VCV000496534.16), dbSNP rs573603690, ClinGen allele CA2990573.
Genomic context (GRCh38, chr4:83,470,357, plus strand): 5'-GGTTTGAAAAATGCTCCTGCAAGTTTTTGTGAAGCAGCCTCTCTCTAAACGTCATGATCT[G>C]ATCTGAATGACGACGGAATTTGTACCAACCTACCACATTCTGAAATACAGAATAAAAAGG-3'
Protein context (NP_620775.2, residues 98-118): GWYKFRRHSD[Gln108Glu]IMTFRERLLH

ClinVar aggregate classification (germline): Uncertain significance. Review status: criteria provided, multiple submitters, no conflicts (2 of 4 stars). 3 submissions from 3 submitters: Uncertain significance (3). Last evaluated 2026-02-02.

Allele frequency attached by ClinVar (database versions not stated): ExAC 0.00001; gnomAD exomes 0.00001; gnomAD 0.00005; TOPMed 0.00006; 1000 Genomes Project 0.00020; 1000 Genomes Project 30x 0.00031.
gnomAD v4.1: 15 of 1,613,626 alleles (0.00093%); highest among the groups gnomAD compares: African/African-American, 0.019%; no homozygotes.

Submissions (3):

Women's Health and Genetics/Laboratory Corporation of America, LabCorp
Classification: Uncertain significance. Last evaluated: 2026-02-02. Review status: criteria provided, single submitter. Criteria: LabCorp Variant Classification Summary - May 2015. Collection method: clinical testing. Allele origin: germline.
Comment: Variant summary: FAM175A c.322C>G (p.Gln108Glu) results in a conservative amino acid change in the encoded protein sequence. Algorithms developed to predict the effect of missense changes on protein structure and function are either unavailable or do not agree on the potential impact of this missense change. The variant allele was found at a frequency of 1.6e-05 in 253240 control chromosomes. The available data on variant occurrences in the general population are insufficient to allow any conclusion about variant significance. c.322C>G has been observed in individual(s) affected with Hereditary Breast And Ovarian Cancer Syndrome. These report(s) do not provide unequivocal conclusions about association of the variant with Hereditary Breast And Ovarian Cancer Syndrome. To our knowledge, no experimental evidence demonstrating an impact on protein function has been reported. ClinVar contains an entry for this variant (Variation ID: 496534). Based on the evidence outlined above, the variant was classified as uncertain significance.

Ambry Genetics
Classification: Uncertain significance. Last evaluated: 2025-03-29. Review status: criteria provided, single submitter. Criteria: Ambry Variant Classification Scheme 2023. Collection method: clinical testing. Allele origin: germline.
Comment: The p.Q108E variant (also known as c.322C>G), located in coding exon 5 of the FAM175A gene, results from a C to G substitution at nucleotide position 322. The glutamine at codon 108 is replaced by glutamic acid, an amino acid with highly similar properties. This amino acid position is conserved. In addition, the in silico prediction for this alteration is inconclusive. Since supporting evidence is limited at this time, the clinical significance of this alteration remains unclear.

Labcorp Genetics (formerly Invitae), Labcorp
Classification: Uncertain significance. Last evaluated: 2024-01-17. Review status: criteria provided, single submitter. Criteria: Invitae Variant Classification Sherloc (09022015). Collection method: clinical testing. Allele origin: germline.
Comment: This sequence change replaces glutamine, which is neutral and polar, with glutamic acid, which is acidic and polar, at codon 108 of the ABRAXAS1 protein (p.Gln108Glu). This variant is present in population databases (rs573603690, gnomAD 0.02%). This missense change has been observed in individual(s) with ABRAXAS1-related conditions (PMID: 27270457). ClinVar contains an entry for this variant (Variation ID: 496534). Advanced modeling of protein sequence and biophysical properties (such as structural, functional, and spatial information, amino acid conservation, physicochemical variation, residue mobility, and thermodynamic stability) performed at Invitae indicates that this missense variant is expected to disrupt ABRAXAS1 protein function with a positive predictive value of 80%. In summary, the available evidence is currently insufficient to determine the role of this variant in disease. Therefore, it has been classified as a Variant of Uncertain Significance.

Literature cited by the submitters: PubMed 27270457 (cited by Women's Health and Genetics/Laboratory Corporation of America, LabCorp and Labcorp Genetics (formerly Invitae), Labcorp).